The following is an entry in ClinVar:

NM_001003800.2(BICD2):c.479G>T (p.Arg160Leu)

Gene: BICD2 (BICD cargo adaptor 2; minus strand). Cytogenetic location: 9q22.31.
Variant type: single nucleotide variant.
Coding change: c.479G>T on transcript NM_001003800.2 (MANE Select); coding-DNA position 479, G replaced by T.
Protein change: p.Arg160Leu; replaces arginine 160 with leucine.
Molecular consequence: missense variant.
Genome position (GRCh38, 1-based): chr9:92,722,783, C>A on the plus strand (G>T on the coding strand, the complement: BICD2 is on the minus strand). VCF-style: chr9-92722783-C-A. GRCh37 (hg19) VCF-style: chr9-95485065-C-A.
Other names: c.479G>T, p.Arg160Leu (NM_015250.4); short protein forms R160L.
Identifiers: ClinVar variation 1743164 (VCV001743164.7), dbSNP rs138339539, ClinGen allele CA374045812.

ClinVar aggregate classification (germline): Uncertain significance. Review status: criteria provided, multiple submitters, no conflicts (2 of 4 stars). 2 submissions from 2 submitters: Uncertain significance (2). Last evaluated 2024-12-02.

Conditions:
Inborn genetic diseases. Identifiers: MedGen C0950123, MeSH D030342.
Autosomal dominant childhood-onset proximal spinal muscular atrophy with contractures (SMALED2A). Also called: SPINAL MUSCULAR ATROPHY, LOWER EXTREMITY-PREDOMINANT, 2A, CHILDHOOD ONSET, AUTOSOMAL DOMINANT; Spinal muscular atrophy, lower extremity-predominant, 2A, autosomal dominant. Identifiers: Orphanet 363447, Orphanet 363454, MedGen C4747715, MONDO:0014121, OMIM 615290.

gnomAD v4.1: 1 of 1,613,200 alleles (0.000062%); highest among the groups gnomAD compares: Non-Finnish European, 0.000085%; no homozygotes.

Submissions (2):

Labcorp Genetics (formerly Invitae), Labcorp
Classification: Uncertain significance for Autosomal dominant childhood-onset proximal spinal muscular atrophy with contractures. Last evaluated: 2024-12-02. Review status: criteria provided, single submitter. Criteria: Invitae Variant Classification Sherloc (09022015). Collection method: clinical testing. Allele origin: germline.
Comment: This sequence change replaces arginine, which is basic and polar, with leucine, which is neutral and non-polar, at codon 160 of the BICD2 protein (p.Arg160Leu). This variant is not present in population databases (gnomAD no frequency). This variant has not been reported in the literature in individuals affected with BICD2-related conditions. ClinVar contains an entry for this variant (Variation ID: 1743164). Invitae Evidence Modeling of protein sequence and biophysical properties (such as structural, functional, and spatial information, amino acid conservation, physicochemical variation, residue mobility, and thermodynamic stability) indicates that this missense variant is not expected to disrupt BICD2 protein function with a negative predictive value of 80%. In summary, the available evidence is currently insufficient to determine the role of this variant in disease. Therefore, it has been classified as a Variant of Uncertain Significance.

Ambry Genetics
Classification: Uncertain significance for Inborn genetic diseases. Last evaluated: 2020-06-30. Review status: criteria provided, single submitter. Criteria: Ambry Variant Classification Scheme 2023. Collection method: clinical testing. Allele origin: germline.
Comment: The p.R160L variant (also known as c.479G>T), located in coding exon 3 of the BICD2 gene, results from a G to T substitution at nucleotide position 479. The arginine at codon 160 is replaced by leucine, an amino acid with dissimilar properties. This amino acid position is highly conserved in available vertebrate species. In addition, this alteration is predicted to be deleterious by in silico analysis. Since supporting evidence is limited at this time, the clinical significance of this alteration remains unclear.